The following is an entry in ClinVar:

ClinVar aggregate classification (germline): Uncertain significance (3 of 4 stars; one submission).

Conditions:
Bernard Soulier syndrome (BSS). Also called: BLEEDING DISORDER, PLATELET-TYPE, 1; PLATELET GLYCOPROTEIN Ib DEFICIENCY; VON WILLEBRAND FACTOR RECEPTOR DEFICIENCY; Platelet Glycoprotein 1b, Deficiency of; Giant platelet syndrome; Hemorrhagiparous thrombocytic dystrophy. Identifiers: Orphanet 274, MedGen C0005129, MeSH D001606, MONDO:0009276, OMIM 231200.

Submission:

ClinGen Platelet Disorders Variant Curation Expert Panel, ClinGen
Classification: Uncertain significance for Bernard Soulier syndrome. Last evaluated: 2026-02-05. Review status: reviewed by expert panel. Criteria: ClinGen Platelet ACMG Specifications GP1BB V1.0.0. Collection method: curation. Allele origin: germline. Inheritance: Autosomal recessive inheritance.
Comment: The c.392A>C variant in GP1BB is a missense variant predicted to cause substitution of Tyrosine by Serine at amino acid 131 (p.Tyr131Ser). This variant has been detected in at least 1 proband with Bernard-Soulier syndrome (Patient F-09-00, BSS Consortium). The computational predictor REVEL gives a score of0.831, which is above the ClinGen PD VCEP threshold of >0.773 and predicts a damaging effect on GP1BB function (PP3_Moderate). This variant is absent from gnomAD v4.1.0 (PM2_Supporting). Although the variant is reported in a homozygous BSS patient in PMID: 24934643, not enough phenotypic details are provided to meet the VCEP's PP4 criteria. In summary, this variant meets the criteria to be classified as VUS for autosomal recessive Bernard-Soulier syndrome based on the ACMG/AMP criteria applied, as specified by the ClinGen PD VCEP: PM3_Supporting, PP3_Moderate and PM2_Supporting (VCEP specifications version 1).

NM_000407.5(GP1BB):c.392A>C (p.Tyr131Ser)

Genes: GP1BB (glycoprotein Ib platelet subunit beta; plus strand), SEPT5-GP1BB (SEPT5-GP1BB readthrough; plus strand). Cytogenetic location: 22q11.21.
Variant type: single nucleotide variant.
Coding change: c.392A>C on transcript NM_000407.5 (MANE Select); coding-DNA position 392, A replaced by C.
Protein change: p.Tyr131Ser; replaces tyrosine 131 with serine.
Molecular consequence: missense variant. On other transcripts: non-coding transcript variant (2).
Genome position (GRCh38, 1-based): chr22:19,724,235, A>C. VCF-style: chr22-19724235-A-C. GRCh37 (hg19) VCF-style: chr22-19711758-A-C.
Other names: NM_000407.5:c.392A>C; short protein forms Y131S.
Identifiers: ClinVar variation 4849252 (VCV004849252.1).
Genomic context (GRCh38, chr22:19,724,235, plus strand): 5'-CGCCCTACCGCGACCTGCGTTGCGTGGCGCCCCCAGCGCTGCGCGGCCGCCTGCTGCCCT[A>C]TCTGGCCGAGGACGAGCTGCGCGCCGCTTGCGCTCCCGGCCCGCTCTGCTGGGGGGCGCT-3'
Protein context (NP_000398.1, residues 121-141): PPALRGRLLP[Tyr131Ser]LAEDELRAAC